The following is an entry in ClinVar:

NM_000059.4(BRCA2):c.68-339G>A

Gene: BRCA2 (BRCA2 DNA repair associated; plus strand). Cytogenetic location: 13q13.1.
Variant type: single nucleotide variant.
Coding change: c.68-339G>A on transcript NM_000059.4 (MANE Select); 339 bases into the intron before coding-DNA position 68, G replaced by A.
Molecular consequence: intron variant.
Genome position (GRCh38, 1-based): chr13:32,318,738, G>A. VCF-style: chr13-32318738-G-A. GRCh37 (hg19) VCF-style: chr13-32892875-G-A.
Other names: IVS 2-339G>A.
Identifiers: ClinVar variation 209617 (VCV000209617.1), dbSNP rs11571585, ClinGen allele CA276586.

ClinVar aggregate classification (germline): Benign (3 of 4 stars; one submission).

Conditions:
Breast-ovarian cancer, familial, susceptibility to, 2 (BROVCA2). Also called: BRCA2 Hereditary Breast and Ovarian Cancer. Identifiers: Orphanet 145, MedGen C2675520, MONDO:0012933, OMIM 612555. Disease mechanism: loss of function.

Allele frequency attached by ClinVar (database versions not stated): gnomAD 0.01029 and 0.01111; 1000 Genomes Project 0.01038; 1000 Genomes Project 30x 0.01093; TOPMed 0.01147.
gnomAD v4.1: 1,553 of 152,146 alleles (1%); highest among the groups gnomAD compares: African/African-American, 3.6%; 32 homozygotes.

Submission:

Evidence-based Network for the Interpretation of Germline Mutant Alleles (ENIGMA)
Classification: Benign for Breast-ovarian cancer, familial 2. Last evaluated: 2015-01-12. Review status: reviewed by expert panel. Criteria: ENIGMA BRCA1/2 Classification Criteria (2015). Collection method: curation. Allele origin: germline.
Comment: Class 1 not pathogenic based on frequency >1% in an outbred sampleset. Frequency 0.04675 (African), derived from 1000 genomes (2012-04-30).